The following is an entry in ClinVar:

NM_006009.4(TUBA1A):c.375+3A>G

Gene: TUBA1A (tubulin alpha 1a; minus strand). Cytogenetic location: 12q13.12.
Variant type: single nucleotide variant.
Coding change: c.375+3A>G on transcript NM_006009.4 (MANE Select); 3 bases into the intron after coding-DNA position 375, A replaced by G.
Molecular consequence: intron variant.
Genome position (GRCh38, 1-based): chr12:49,186,307, T>C on the plus strand (A>G on the coding strand, the complement: TUBA1A is on the minus strand). VCF-style: chr12-49186307-T-C. GRCh37 (hg19) VCF-style: chr12-49580090-T-C.
Other names: c.270+3A>G (NM_001270400.2); c.375+3A>G (NM_001270399.2).
Identifiers: ClinVar variation 4688582 (VCV004688582.1).

ClinVar aggregate classification (germline): Uncertain significance (1 of 4 stars; one submission).

gnomAD v4.1: 2 of 1,613,130 alleles (0.00012%); highest among the groups gnomAD compares: South Asian, 0.0011%; no homozygotes.

Submission:

Women's Health and Genetics/Laboratory Corporation of America, LabCorp
Classification: Uncertain significance. Last evaluated: 2025-12-04. Review status: criteria provided, single submitter. Criteria: LabCorp Variant Classification Summary - May 2015. Collection method: clinical testing. Allele origin: germline.
Comment: Variant summary: TUBA1A c.375+3A>G alters a nucleotide located close to a canonical splice site and therefore could affect mRNA splicing, leading to a significantly altered protein sequence. Several computational tools predict a significant impact on normal splicing: One predicts the variant abolishes a 5' splicing donor site. Two predict the variant weakens a 5' donor site. However, these predictions have yet to be confirmed by functional studies. The variant allele was found at a frequency of 4e-06 in 251488 control chromosomes. The available data on variant occurrences in the general population are insufficient to allow any conclusion about variant significance. To our knowledge, no occurrence of c.375+3A>G in individuals affected with TUBA1A-related conditions and no experimental evidence demonstrating its impact on protein function have been reported. No submitters have cited clinical-significance assessments for this variant to ClinVar. Based on the evidence outlined above, the variant was classified as uncertain significance.